The following is an entry in ClinVar:

ClinVar aggregate classification (germline): Pathogenic. Review status: criteria provided, multiple submitters, no conflicts (2 of 4 stars). 2 submissions from 2 submitters: Pathogenic (2). Last evaluated 2025-08-01.

Conditions:
Arrhythmogenic right ventricular dysplasia 8 (ARVD8). Also called: Arrhythmogenic Right Ventricular Dysplasia/Cardiomyopathy 8; ARRHYTHMOGENIC RIGHT VENTRICULAR DYSPLASIA, FAMILIAL, 8; ARRHYTHMOGENIC RIGHT VENTRICULAR CARDIOMYOPATHY 8. Identifiers: MedGen C1843896, MONDO:0011831, OMIM 607450.

Submissions (2):

CeGaT Center for Human Genetics Tuebingen
Classification: Pathogenic. Last evaluated: 2025-08-01. Review status: criteria provided, single submitter. Criteria: CeGaT Center For Human Genetics Tuebingen Variant Classification Criteria Version 2. Collection method: clinical testing. Allele origin: germline. Affected: yes. Observed: 1 variant allele.
Comment: DSP: PVS1, PP1:Strong, PS4, PM2

Victorian Clinical Genetics Services, Murdoch Childrens Research Institute
Classification: Pathogenic for Arrhythmogenic right ventricular dysplasia 8. Last evaluated: 2022-03-31. Review status: criteria provided, single submitter. Criteria: ACMG Guidelines, 2015. Collection method: clinical testing. Allele origin: germline. Inheritance: Autosomal dominant inheritance.
Comment: Based on the classification scheme VCGS_Germline_v1.3.4, this variant is classified as Pathogenic. Following criteria are met: 0102 - Loss of function is a known mechanism of disease in this gene and is associated with arrhythmogenic right ventricular dysplasia 8 (ARVD; MIM#607450) and other DSP-related cardiac disorders. (I) 0108 - This gene is associated with both recessive and dominant disease. Variants in this gene are usually inherited in a dominant manner, however rare reports of recessive inheritance have resulted in a more severe cardiac phenotype (OMIM). (I) 0115 - Variants in this gene are known to have variable expressivity. Age-dependent penetrance and variable expressivity are well-described aspects of arrhythmogenic cardiomyopathy (PMID: 29062697). (I) 0201 - Variant is predicted to cause nonsense-mediated decay (NMD) and loss of protein (premature termination codon is located at least 54 nucleotides upstream of the final exon-exon junction). (SP) 0251 - This variant is heterozygous. (I) 0301 - Variant is absent from gnomAD (both v2 and v3). (SP) 0701 - Other null variants comparable to the one identified in this case have very strong previous evidence for pathogenicity. There are at least ten NMD-predicted variants that have been classified as likely pathogenic or pathogenic (DECIPHER). (SP) 0803 - This variant has limited previous evidence of pathogenicity in an unrelated individual. This variant has been reported in a family with a history of arrhythmogenic cardiomyopathy, with the proband specifically diagnosed with left-dominant arrhythmogenic cardiomyopathy (PMID: 19095136). (SP) 0901 - This variant has strong evidence for segregation with disease. This variant has been found to segregate in six affected members of the same family (PMID: 30382575). (SP) 1208 - Inheritance information for this variant is not currently available in this individual. (I) Legend: (SP) - Supporting pathogenic, (I) - Information, (SB) - Supporting benign

Literature cited by the submitters: PubMed 19095136 (cited by Victorian Clinical Genetics Services, Murdoch Childrens Research Institute); PubMed 29062697 (cited by Victorian Clinical Genetics Services, Murdoch Childrens Research Institute); PubMed 30382575 (cited by Victorian Clinical Genetics Services, Murdoch Childrens Research Institute).

NM_004415.4(DSP):c.1755dup (p.His586fs)

Gene: DSP (desmoplakin; plus strand). Cytogenetic location: 6p24.3.
Variant type: Duplication.
Coding change: c.1755dup on transcript NM_004415.4 (MANE Select); coding-DNA position 1755, one base duplicated (A; older notation c.1755dupA).
Protein change: p.His586fs; shifts the reading frame from histidine 586.
Molecular consequence: frameshift variant.
Genome position (GRCh38, 1-based): chr6:7,571,436, A duplicated. VCF-style (leftmost placement, unchanged base first): chr6-7571435-T-TA. GRCh37 (hg19) VCF-style: chr6-7571668-T-TA.
Other names: c.1755dup, p.His586fs (NM_001008844.3, NM_001319034.2); c.1755dupA (NM_004415.2); short protein forms H586fs.
Identifiers: ClinVar variation 3377395 (VCV003377395.9).